The following is an entry in ClinVar:

ClinVar aggregate classification (germline): Likely benign (0 of 4 stars; one submission).

Conditions:
HPS4-related disorder. Also called: HPS4-related condition.

Allele frequency attached by ClinVar (database versions not stated): 1000 Genomes Project 0.00020; ExAC 0.00024; gnomAD exomes 0.00007; 1000 Genomes Project 30x 0.00016.
gnomAD v4.1: 103 of 1,603,790 alleles (0.0064%); highest among the groups gnomAD compares: East Asian, 0.22%; no homozygotes.

Submission:

PreventionGenetics, part of Exact Sciences
Classification: Likely benign for HPS4-related condition. Last evaluated: 2022-10-19. Review status: no assertion criteria provided. Collection method: clinical testing. Allele origin: germline.
Comment: This variant is classified as likely benign based on ACMG/AMP sequence variant interpretation guidelines (Richards et al. 2015 PMID: 25741868, with internal and published modifications).

NM_022081.6(HPS4):c.706+125A>G

Gene: HPS4 (HPS4 biogenesis of lysosomal organelles complex 3 subunit 2; minus strand). Cytogenetic location: 22q12.1.
Variant type: single nucleotide variant.
Coding change: c.706+125A>G on transcript NM_022081.6 (MANE Select); 125 bases into the intron after coding-DNA position 706, A replaced by G.
Molecular consequence: intron variant. On other transcripts: missense variant (2), non-coding transcript variant (1).
Genome position (GRCh38, 1-based): chr22:26,466,101, T>C on the plus strand (A>G on the coding strand, the complement: HPS4 is on the minus strand). VCF-style: chr22-26466101-T-C. GRCh37 (hg19) VCF-style: chr22-26862067-T-C.
Other names: c.710A>G, p.Lys237Arg (NM_001349900.2, NM_001349901.1); c.706+125A>G (NM_001349905.1, NM_001349904.2, NM_001349902.1 and 5 more transcripts); c.691+125A>G (NM_152841.2); short protein forms K237R.
Identifiers: ClinVar variation 3029587 (VCV003029587.2), dbSNP rs144912961, ClinGen allele CA10163542.
Genomic context (GRCh38, chr22:26,466,101, plus strand): 5'-ATAGCTTTACCATTAGGGTTCTGGTGGGTAACTCGATTCTTGAAGCTCCATAACATCCAT[T>C]TTCCTATTATGAGCAGAGGAAATAAACATGCAGATGGCTTGGTTTCCTTCGCATAACTTG-3'